The following is an entry in ClinVar:

ClinVar aggregate classification (germline): Uncertain significance (1 of 4 stars; one submission).

Conditions:
Combined immunodeficiency due to ZAP70 deficiency (IMD48). Also called: Immunodeficiency 48; ZAP70 Deficiency. Identifiers: Orphanet 911, MedGen C2931299, MONDO:0010023, OMIM 269840.

Allele frequency attached by ClinVar (database versions not stated): TOPMed below 0.00001.

Submission:

Labcorp Genetics (formerly Invitae), Labcorp
Classification: Uncertain significance for Combined immunodeficiency due to ZAP70 deficiency. Last evaluated: 2020-11-16. Review status: criteria provided, single submitter. Criteria: Invitae Variant Classification Sherloc (09022015). Collection method: clinical testing. Allele origin: germline.
Comment: This sequence change replaces arginine with tryptophan at codon 400 of the ZAP70 protein (p.Arg400Trp). The arginine residue is highly conserved and there is a moderate physicochemical difference between arginine and tryptophan. This variant is not present in population databases (ExAC no frequency). This variant has not been reported in the literature in individuals with ZAP70-related conditions. Algorithms developed to predict the effect of missense changes on protein structure and function are either unavailable or do not agree on the potential impact of this missense change (SIFT: "Not Available"; PolyPhen-2: "Probably Damaging"; Align-GVGD: "Not Available"). In summary, the available evidence is currently insufficient to determine the role of this variant in disease. Therefore, it has been classified as a Variant of Uncertain Significance.

NM_001079.4(ZAP70):c.1198C>T (p.Arg400Trp)

Gene: ZAP70 (zeta chain of T cell receptor associated protein kinase 70; plus strand). Cytogenetic location: 2q11.2.
Variant type: single nucleotide variant.
Coding change: c.1198C>T on transcript NM_001079.4 (MANE Select); coding-DNA position 1198, C replaced by T.
Protein change: p.Arg400Trp; replaces arginine 400 with tryptophan.
Molecular consequence: missense variant.
Genome position (GRCh38, 1-based): chr2:97,735,365, C>T. VCF-style: chr2-97735365-C-T. GRCh37 (hg19) VCF-style: chr2-98351828-C-T.
Other names: c.1198C>T, p.Arg400Trp (NM_001378594.1); c.277C>T, p.Arg93Trp (NM_207519.2); short protein forms R400W, R93W.
Identifiers: ClinVar variation 1045875 (VCV001045875.6), dbSNP rs1677826467, ClinGen allele CA347801781.
Genomic context (GRCh38, chr2:97,735,365, plus strand): 5'-ACGGAAGAGATGATGCGCGAGGCGCAGATCATGCACCAGCTGGACAACCCCTACATCGTG[C>T]GGCTCATTGGCGTCTGCCAGGCCGAGGCCCTCATGCTGGTCATGGAGATGGCTGGGGGCG-3'
Protein context (NP_001070.2, residues 390-410): MHQLDNPYIV[Arg400Trp]LIGVCQAEAL